The following is an entry in ClinVar:

ClinVar aggregate classification (germline): Uncertain significance (1 of 4 stars; one submission).

Conditions:
Gnathodiaphyseal dysplasia (GDD). Also called: GNATHODIAPHYSEAL SCLEROSIS; OSTEOGENESIS IMPERFECTA WITH UNUSUAL SKELETAL LESIONS. Identifiers: Orphanet 53697, MedGen C1833736, MONDO:0008151, OMIM 166260.
Autosomal recessive limb-girdle muscular dystrophy type 2L (LGMDR12). Also called: Limb-girdle muscular dystrophy, type 2L; MUSCULAR DYSTROPHY, LIMB-GIRDLE, AUTOSOMAL RECESSIVE 12; Limb-Girdle Muscular Dystrophy R12 Anoctamin-5-Related (LGMD-R12). Identifiers: Orphanet 206549, MedGen C1969785, MONDO:0012652, OMIM 611307.

Allele frequency attached by ClinVar (database versions not stated): gnomAD 0.00001; gnomAD exomes 0.00001 and 0.00002; ExAC 0.00002; TOPMed 0.00004.
gnomAD v4.1: 13 of 1,601,246 alleles (0.00081%); highest among the groups gnomAD compares: East Asian, 0.02%; no homozygotes.

Submission:

Labcorp Genetics (formerly Invitae), Labcorp
Classification: Uncertain significance for Autosomal recessive limb-girdle muscular dystrophy type 2L; Gnathodiaphyseal dysplasia. Last evaluated: 2021-09-18. Review status: criteria provided, single submitter. Criteria: Invitae Variant Classification Sherloc (09022015). Collection method: clinical testing. Allele origin: germline.
Comment: This sequence change falls in intron 8 of the ANO5 gene. It does not directly change the encoded amino acid sequence of the ANO5 protein. It affects a nucleotide within the consensus splice site of the intron. This variant is present in population databases (rs756702010, ExAC 0.01%). This variant has not been reported in the literature in individuals affected with ANO5-related conditions. Variants that disrupt the consensus splice site are a relatively common cause of aberrant splicing (PMID: 17576681, 9536098). Algorithms developed to predict the effect of sequence changes on RNA splicing suggest that this variant is not likely to affect RNA splicing. In summary, the available evidence is currently insufficient to determine the role of this variant in disease. Therefore, it has been classified as a Variant of Uncertain Significance.

Literature cited by the submitters: PubMed 17576681; PubMed 9536098.

NM_213599.3(ANO5):c.763-3C>T

Gene: ANO5 (anoctamin 5; plus strand). Cytogenetic location: 11p14.3.
Variant type: single nucleotide variant.
Coding change: c.763-3C>T on transcript NM_213599.3 (MANE Select); 3 bases into the intron before coding-DNA position 763, C replaced by T.
Molecular consequence: intron variant.
Genome position (GRCh38, 1-based): chr11:22,239,566, C>T. VCF-style: chr11-22239566-C-T. GRCh37 (hg19) VCF-style: chr11-22261112-C-T.
Other names: c.760-3C>T (NM_001142649.2).
Identifiers: ClinVar variation 1497259 (VCV001497259.6), dbSNP rs756702010, ClinGen allele CA5923029.